The following is an entry in ClinVar:

ClinVar aggregate classification (germline): Uncertain significance (1 of 4 stars; one submission).

Conditions:
Familial thoracic aortic aneurysm and aortic dissection (TAAD). Also called: Thoracic aortic aneurysms and dissections. Identifiers: Orphanet 91387, MedGen C4707243, MONDO:0019625.

Submission:

Ambry Genetics
Classification: Uncertain significance for Familial thoracic aortic aneurysm and aortic dissection. Last evaluated: 2025-06-01. Review status: criteria provided, single submitter. Criteria: Ambry Variant Classification Scheme 2023. Collection method: clinical testing. Allele origin: germline.
Comment: The p.D1026H variant (also known as c.3076G>C), located in coding exon 19 of the NOTCH1 gene, results from a G to C substitution at nucleotide position 3076. The aspartic acid at codon 1026 is replaced by histidine, an amino acid with similar properties. This amino acid position is conserved. In addition, the in silico prediction for this alteration is inconclusive. Based on the available evidence, the clinical significance of this variant remains unclear.

NM_017617.5(NOTCH1):c.3076G>C (p.Asp1026His)

Gene: NOTCH1 (notch receptor 1; minus strand). Cytogenetic location: 9q34.3.
Variant type: single nucleotide variant.
Coding change: c.3076G>C on transcript NM_017617.5 (MANE Select); coding-DNA position 3076, G replaced by C.
Protein change: p.Asp1026His; replaces aspartic acid 1026 with histidine.
Molecular consequence: missense variant.
Genome position (GRCh38, 1-based): chr9:136,508,965, C>G on the plus strand (G>C on the coding strand, the complement: NOTCH1 is on the minus strand). VCF-style: chr9-136508965-C-G. GRCh37 (hg19) VCF-style: chr9-139403417-C-G.
Other names: short protein forms D1026H.
Identifiers: ClinVar variation 3921065 (VCV003921065.1).
Genomic context (GRCh38, chr9:136,508,965, plus strand): 5'-TGCACCTGTAGGAGCCGCAGCCGTCCTGACAGGTGCCGCCATGCAGGCAGGGCTGTGAGT[C>G]GCACTCATTGACATCGTGCTGGCAGTAGCTGCCCGTGAAGCCGGGTGGACACAGGCAGGT-3'
Protein context (NP_060087.3, residues 1016-1036): SYCQHDVNEC[Asp1026His]SQPCLHGGTC